The following is an entry in ClinVar:

NM_005559.4(LAMA1):c.3724G>C (p.Ala1242Pro)

Gene: LAMA1 (laminin subunit alpha 1; minus strand). Cytogenetic location: 18p11.31.
Variant type: single nucleotide variant.
Coding change: c.3724G>C on transcript NM_005559.4 (MANE Select); coding-DNA position 3724, G replaced by C.
Protein change: p.Ala1242Pro; replaces alanine 1242 with proline.
Molecular consequence: missense variant.
Genome position (GRCh38, 1-based): chr18:7,010,349, C>G on the plus strand (G>C on the coding strand, the complement: LAMA1 is on the minus strand). VCF-style: chr18-7010349-C-G. GRCh37 (hg19) VCF-style: chr18-7010348-C-G.
Other names: short protein forms A1242P.
Identifiers: ClinVar variation 1469068 (VCV001469068.8), dbSNP rs115127419, ClinGen allele CA401848446.
Genomic context (GRCh38, chr18:7,010,349, plus strand): 5'-CTTTGATGAGAACTTGAGGCTCAAAATTGGAGGTGCCGACGCCATCCAAAGAATAGAAGG[C>G]CACGCTGTACTTCAGTTTGCCACCATAGGCCATGAGCTATCAAATAATAAAGTGTTGTTT-3'
Protein context (NP_005550.2, residues 1232-1252): AYGGKLKYSV[Ala1242Pro]FYSLDGVGTS

ClinVar aggregate classification (germline): Uncertain significance (1 of 4 stars; one submission).

Submission:

Labcorp Genetics (formerly Invitae), Labcorp
Classification: Uncertain significance. Last evaluated: 2022-08-09. Review status: criteria provided, single submitter. Criteria: Invitae Variant Classification Sherloc (09022015). Collection method: clinical testing. Allele origin: germline.
Comment: Algorithms developed to predict the effect of missense changes on protein structure and function are either unavailable or do not agree on the potential impact of this missense change (SIFT: "Tolerated"; PolyPhen-2: "Probably Damaging"; Align-GVGD: "Class C0"). This sequence change replaces alanine, which is neutral and non-polar, with proline, which is neutral and non-polar, at codon 1242 of the LAMA1 protein (p.Ala1242Pro). This variant is not present in population databases (gnomAD no frequency). This variant has not been reported in the literature in individuals affected with LAMA1-related conditions. ClinVar contains an entry for this variant (Variation ID: 1469068). In summary, the available evidence is currently insufficient to determine the role of this variant in disease. Therefore, it has been classified as a Variant of Uncertain Significance.